The following is an entry in ClinVar:

ClinVar aggregate classification (germline): Likely pathogenic. Review status: criteria provided, multiple submitters, no conflicts (2 of 4 stars). 3 submissions from 3 submitters: Likely pathogenic (3). Last evaluated 2024-10-25.

Conditions:
Muscular dystrophy-dystroglycanopathy (congenital with brain and eye anomalies), type a, 11 (MDDGA11). Also called: Congenital muscular dystrophy-dystroglycanopathy with brain and eye anomalies, type A11; WALKER-WARBURG SYNDROME OR MUSCLE-EYE-BRAIN DISEASE, B3GALNT2-RELATED; Muscular dystrophy-dystroglycanopathy (congenital with brain and eye anomalies, type A, 11. Identifiers: Orphanet 588, Orphanet 899, MedGen C3554638, MONDO:0014071, OMIM 615181.
B3GALNT2-related disorders.

Allele frequency attached by ClinVar (database versions not stated): gnomAD 0.00001; TOPMed 0.00001; gnomAD exomes 0.00002; ExAC 0.00003.
gnomAD v4.1: 19 of 1,572,632 alleles (0.0012%); highest among the groups gnomAD compares: East Asian, 0.0023%; no homozygotes.

Submissions (3):

Blueprint Genetics
Classification: Likely pathogenic for B3GALNT2-related disorders. Last evaluated: 2024-10-25. Review status: criteria provided, single submitter. Criteria: ACMG Guidelines, 2015. Collection method: clinical testing. Allele origin: germline. Affected: yes. Observed: 5 variant alleles.

Women's Health and Genetics/Laboratory Corporation of America, LabCorp
Classification: Likely pathogenic for Muscular dystrophy-dystroglycanopathy (congenital with brain and eye anomalies), type a, 11. Last evaluated: 2023-06-14. Review status: criteria provided, single submitter. Criteria: LabCorp Variant Classification Summary - May 2015. Collection method: clinical testing. Allele origin: germline.
Comment: Variant summary: B3GALNT2 c.842-1G>A is located in a canonical splice-site and is predicted to affect mRNA splicing resulting in a significantly altered protein due to either exon skipping, shortening, or inclusion of intronic material. Several computational tools predict a significant impact on normal splicing: four predict the variant abolishes a 3 prime canonical acceptor site and three predict the variant strengthens/creates a 3 prime cryptic acceptor site. However, these predictions have yet to be confirmed by functional studies. The variant allele was found at a frequency of 1.8e-05 in 216592 control chromosomes in GnomAD. To our knowledge, no occurrence of c.842-1G>A in individuals affected with Muscular Dystrophy-Dystroglycanopathy 11 (congenital With Brain And Eye Anomalies) Type A and no experimental evidence demonstrating its impact on protein function have been reported. One clinical diagnostic laboratory has submitted clinical-significance assessments for this variant to ClinVar after 2014 without evidence for independent evaluation and classified the variant as likely pathogenic. Based on the evidence outlined above, the variant was classified as likely pathogenic.

Labcorp Genetics (formerly Invitae), Labcorp
Classification: Likely pathogenic for Muscular dystrophy-dystroglycanopathy (congenital with brain and eye anomalies), type a, 11. Last evaluated: 2022-08-23. Review status: criteria provided, single submitter. Criteria: Invitae Variant Classification Sherloc (09022015). Collection method: clinical testing. Allele origin: germline.
Comment: In summary, the currently available evidence indicates that the variant is pathogenic, but additional data are needed to prove that conclusively. Therefore, this variant has been classified as Likely Pathogenic. Algorithms developed to predict the effect of sequence changes on RNA splicing suggest that this variant may disrupt the consensus splice site. ClinVar contains an entry for this variant (Variation ID: 1467731). This variant has not been reported in the literature in individuals affected with B3GALNT2-related conditions. This variant is present in population databases (rs764784497, gnomAD 0.003%). This sequence change affects an acceptor splice site in intron 7 of the B3GALNT2 gene. It is expected to disrupt RNA splicing. Variants that disrupt the donor or acceptor splice site typically lead to a loss of protein function (PMID: 16199547), and loss-of-function variants in B3GALNT2 are known to be pathogenic (PMID: 23453667).

Literature cited by the submitters: PubMed 16199547 (cited by Labcorp Genetics (formerly Invitae), Labcorp); PubMed 23453667 (cited by Labcorp Genetics (formerly Invitae), Labcorp).

NM_152490.5(B3GALNT2):c.842-1G>A

Gene: B3GALNT2 (beta-1,3-N-acetylgalactosaminyltransferase 2; minus strand). Cytogenetic location: 1q42.3.
Variant type: single nucleotide variant.
Coding change: c.842-1G>A on transcript NM_152490.5 (MANE Select); the canonical splice acceptor site of the intron before coding-DNA position 842, G replaced by A.
Molecular consequence: splice acceptor variant.
Genome position (GRCh38, 1-based): chr1:235,458,787, C>T on the plus strand (G>A on the coding strand, the complement: B3GALNT2 is on the minus strand). VCF-style: chr1-235458787-C-T. GRCh37 (hg19) VCF-style: chr1-235622095-C-T.
Other names: c.842-1G>A (NM_152490.4).
Identifiers: ClinVar variation 1467731 (VCV001467731.10), dbSNP rs764784497, ClinGen allele CA1464756.